The following is an entry in ClinVar:

ClinVar aggregate classification (germline): Conflicting classifications of pathogenicity. Review status: criteria provided, conflicting classifications (1 of 4 stars). 8 submissions from 8 submitters: Uncertain significance (7); Likely benign (1). Last evaluated 2025-10-31.

Conditions:
Hereditary cancer-predisposing syndrome. Also called: Hereditary neoplastic syndrome; Hereditary Cancer Syndrome; Neoplastic Syndromes, Hereditary; Tumor predisposition. Identifiers: Orphanet 140162, MedGen C0027672, MeSH D009386, MONDO:0015356.
BRCA2-related cancer predisposition. Identifiers: MedGen CN377758, MONDO:0700269.
Hereditary breast ovarian cancer syndrome. Also called: BRCA1- and BRCA2-Associated Hereditary Breast and Ovarian Cancer; Hereditary breast and ovarian cancer syndrome; Hereditary breast and ovarian cancer; Hereditary breast and ovarian cancer syndrome (HBOC); Breast and ovarian cancer; Hereditary breast and/or ovarian cancer syndrome. Identifiers: Orphanet 145, MedGen C0677776, MeSH D061325, MONDO:0003582. Disease mechanism: loss of function.

Allele frequency attached by ClinVar (database versions not stated): gnomAD exomes below 0.00001 and 0.00002; ExAC 0.00003.
gnomAD v4.1: 5 of 1,591,978 alleles (0.00031%); highest among the groups gnomAD compares: Admixed American, 0.009%; no homozygotes.

Submissions (8):

Ambry Genetics
Classification: Uncertain significance for Hereditary cancer-predisposing syndrome. Last evaluated: 2025-10-31. Review status: criteria provided, single submitter. Criteria: Ambry Variant Classification Scheme 2023. Collection method: clinical testing. Allele origin: germline.
Comment: The p.Y1672H variant (also known as c.5014T>C), located in coding exon 10 of the BRCA2 gene, results from a T to C substitution at nucleotide position 5014. The tyrosine at codon 1672 is replaced by histidine, an amino acid with similar properties. This alteration was identified in a population-based study of early-onset breast cancer diagnoses (Lee E et al. Breast Cancer Res., 2008 Feb;10:R19). This amino acid position is not well conserved in available vertebrate species. In addition, this alteration is predicted to be tolerated by in silico analysis. Since supporting evidence is limited at this time, the clinical significance of this alteration remains unclear.

Labcorp Genetics (formerly Invitae), Labcorp
Classification: Uncertain significance for Hereditary breast ovarian cancer syndrome. Last evaluated: 2025-10-02. Review status: criteria provided, single submitter. Criteria: Invitae Variant Classification Sherloc (09022015). Collection method: clinical testing. Allele origin: germline.
Comment: This sequence change replaces tyrosine, which is neutral and polar, with histidine, which is basic and polar, at codon 1672 of the BRCA2 protein (p.Tyr1672His). This variant is present in population databases (rs781671762, gnomAD 0.01%). This missense change has been observed in individual(s) with breast cancer (PMID: 18284688). ClinVar contains an entry for this variant (Variation ID: 234726). Invitae Evidence Modeling of protein sequence and biophysical properties (such as structural, functional, and spatial information, amino acid conservation, physicochemical variation, residue mobility, and thermodynamic stability) indicates that this missense variant is not expected to disrupt BRCA2 protein function with a negative predictive value of 95%. In summary, the available evidence is currently insufficient to determine the role of this variant in disease. Therefore, it has been classified as a Variant of Uncertain Significance.

Women's Health and Genetics/Laboratory Corporation of America, LabCorp
Classification: Uncertain significance. Last evaluated: 2025-07-17. Review status: criteria provided, single submitter. Criteria: LabCorp Variant Classification Summary - May 2015. Collection method: clinical testing. Allele origin: germline.
Comment: Variant summary: BRCA2 c.5014T>C (p.Tyr1672His) results in a conservative amino acid change in the encoded protein sequence. Algorithms developed to predict the effect of missense changes on protein structure and function all suggest that this variant is likely to be tolerated. The variant allele was found at a frequency of 1.7e-05 in 234402 control chromosomes. The available data on variant occurrences in the general population are insufficient to allow any conclusion about variant significance. c.5014T>C has been observed in an individual affected with breast cancer without strong evidence of causality (Lee_2008). This report does not provide unequivocal conclusions about association of the variant with Hereditary Breast And Ovarian Cancer Syndrome. To our knowledge, no experimental evidence demonstrating an impact on protein function has been reported. The following publication has been ascertained in the context of this evaluation (PMID: 18284688). ClinVar contains an entry for this variant (Variation ID: 234726). Based on the evidence outlined above, the variant was classified as uncertain significance.

All of Us Research Program, National Institutes of Health
Classification: Uncertain significance for BRCA2-related cancer predisposition. Last evaluated: 2024-07-29. Review status: criteria provided, single submitter. Criteria: ACMG Guidelines, 2015. Collection method: clinical testing. Allele origin: germline. Inheritance: Autosomal dominant inheritance. Observed: 1 variant allele, 1 heterozygote.
Comment: This missense variant replaces tyrosine with histidine at codon 1672 of the BRCA2 protein. Computational prediction suggests that this variant may not impact protein structure and function. To our knowledge, functional studies have not been reported for this variant. This variant has been reported in an individual affected with breast cancer (PMID: 18284688). This variant has been identified in 4/234402 chromosomes in the general population by the Genome Aggregation Database (gnomAD). The available evidence is insufficient to determine the role of this variant in disease conclusively. Therefore, this variant is classified as a Variant of Uncertain Significance.

This study involves interpretation of variants in research participants for the purpose of population health screening. Participant phenotype was not available at the time of variant classification. Additional details can be found in publication PMID: 35346344, PMCID: PMC8962531

Color Diagnostics, LLC DBA Color Health
Classification: Uncertain significance for Hereditary cancer-predisposing syndrome. Last evaluated: 2024-06-26. Review status: criteria provided, single submitter. Criteria: ACMG Guidelines, 2015. Collection method: clinical testing. Allele origin: germline.
Comment: This missense variant replaces tyrosine with histidine at codon 1672 of the BRCA2 protein. Computational prediction suggests that this variant may not impact protein structure and function. To our knowledge, functional studies have not been reported for this variant. This variant has been reported in an individual affected with breast cancer (PMID: 18284688). This variant has been identified in 4/234402 chromosomes in the general population by the Genome Aggregation Database (gnomAD). The available evidence is insufficient to determine the role of this variant in disease conclusively. Therefore, this variant is classified as a Variant of Uncertain Significance.

University of Washington Department of Laboratory Medicine, University of Washington
Classification: Likely benign for Hereditary cancer-predisposing syndrome. Last evaluated: 2023-03-23. Review status: criteria provided, single submitter. Criteria: Dines et al. (Genet Med. 2020). Collection method: curation. Allele origin: germline.
Comment: Missense variant in a coldspot region where missense variants are very unlikely to be pathogenic (PMID:31911673).

BRCA2 exon 11 coldspot. Reclassification based on statistical prior probability.

Quest Diagnostics Nichols Institute San Juan Capistrano
Classification: Uncertain significance. Last evaluated: 2022-06-15. Review status: criteria provided, single submitter. Criteria: Quest Diagnostics criteria. Collection method: clinical testing. Allele origin: unknown.
Comment: The frequency of this variant in the general population, 0.00013 (4/30554 chromosomes), is uninformative in assessment of its pathogenicity. In the published literature, the variant has been reported in an individual with early onset breast cancer (PMID: 18284688 (2008)). Analysis of this variant using bioinformatics tools for the prediction of the effect of amino acid changes on protein structure and function yielded predictions that this variant is benign. Based on the available information, we are unable to determine the clinical significance of this variant.

GeneDx
Classification: Uncertain significance. Last evaluated: 2017-04-03. Review status: criteria provided, single submitter. Criteria: GeneDx Variant Classification (06012015). Collection method: clinical testing. Allele origin: germline. Affected: yes.
Comment: This variant is denoted BRCA2 c.5014T>C at the cDNA level, p.Tyr1672His (Y1672H) at the protein level, and results in the change of a Tyrosine to a Histidine (TAC>CAC). Using alternate nomenclature, this variant would be defined as BRCA2 5242T>C. This variant was observed in 1/222 Hispanic white individuals with early onset breast cancer (Lee 2008); however BRCA2 Tyr1672His was not observed in approximately 6,500 individuals of European and African American ancestry in the NHLBI Exome Sequencing Project. Since Tyrosine and Histidine differ in polarity, charge, size or other properties, this is considered a non-conservative amino acid substitution. BRCA2 Tyr1672His occurs at a position that is not conserved and is located in the BRC 5 repeat domain that interacts with POLH and within the RAD51 binding domain (Roy 2012). In silico analyses predict that this variant is unlikely to alter protein structure or function. Based on currently available evidence, it is unclear whether BRCA2 Tyr1672His is a pathogenic or benign variant. We consider it to be a variant of uncertain significance.

Literature cited by the submitters: PubMed 18284688 (cited by 6 submitters).

NM_000059.4(BRCA2):c.5014T>C (p.Tyr1672His)

Gene: BRCA2 (BRCA2 DNA repair associated; plus strand). Cytogenetic location: 13q13.1.
Variant type: single nucleotide variant.
Coding change: c.5014T>C on transcript NM_000059.4 (MANE Select); coding-DNA position 5014, T replaced by C.
Protein change: p.Tyr1672His; replaces tyrosine 1672 with histidine.
Molecular consequence: missense variant.
Genome position (GRCh38, 1-based): chr13:32,339,369, T>C. VCF-style: chr13-32339369-T-C. GRCh37 (hg19) VCF-style: chr13-32913506-T-C.
Other names: short protein forms Y1672H.
Identifiers: ClinVar variation 234726 (VCV000234726.28), dbSNP rs781671762, ClinGen allele CA6940840.